The following is an entry in ClinVar:

NM_001005361.3(DNM2):c.857C>T (p.Thr286Ile)

Gene: DNM2 (dynamin 2; plus strand). Cytogenetic location: 19p13.2.
Variant type: single nucleotide variant.
Coding change: c.857C>T on transcript NM_001005361.3 (MANE Select); coding-DNA position 857, C replaced by T.
Protein change: p.Thr286Ile; replaces threonine 286 with isoleucine.
Molecular consequence: missense variant.
Genome position (GRCh38, 1-based): chr19:10,786,571, C>T. VCF-style: chr19-10786571-C-T. GRCh37 (hg19) VCF-style: chr19-10897247-C-T.
Other names: c.857C>T, p.Thr286Ile (NM_001005360.3, NM_001005362.3, NM_001190716.2 and 1 more transcripts); short protein forms T286I.
Identifiers: ClinVar variation 856325 (VCV000856325.9), dbSNP rs747798217, ClinGen allele CA404046154.

ClinVar aggregate classification (germline): Uncertain significance (1 of 4 stars; one submission).

Conditions:
Charcot-Marie-Tooth disease dominant intermediate B (CMTDIB). Also called: CHARCOT-MARIE-TOOTH NEUROPATHY, DOMINANT INTERMEDIATE B; Charcot-Marie-Tooth disease dominant intermediate 1; CMT DI1; Charcot-Marie-Tooth disease dominant intermediate I. Identifiers: Orphanet 100044, Orphanet 228179, MedGen C1847902, MONDO:0011674, OMIM 606482.

Submission:

Labcorp Genetics (formerly Invitae), Labcorp
Classification: Uncertain significance for Charcot-Marie-Tooth disease dominant intermediate B. Last evaluated: 2024-02-24. Review status: criteria provided, single submitter. Criteria: Invitae Variant Classification Sherloc (09022015). Collection method: clinical testing. Allele origin: germline.
Comment: This sequence change replaces threonine, which is neutral and polar, with isoleucine, which is neutral and non-polar, at codon 286 of the DNM2 protein (p.Thr286Ile). This variant is not present in population databases (gnomAD no frequency). This variant has not been reported in the literature in individuals affected with DNM2-related conditions. ClinVar contains an entry for this variant (Variation ID: 856325). Advanced modeling of protein sequence and biophysical properties (such as structural, functional, and spatial information, amino acid conservation, physicochemical variation, residue mobility, and thermodynamic stability) has been performed at Invitae for this missense variant, however the output from this modeling did not meet the statistical confidence thresholds required to predict the impact of this variant on DNM2 protein function. In summary, the available evidence is currently insufficient to determine the role of this variant in disease. Therefore, it has been classified as a Variant of Uncertain Significance.